The following is an entry in ClinVar:

ClinVar aggregate classification (germline): Uncertain significance (1 of 4 stars; one submission).

Conditions:
Polycystic kidney disease, adult type (PKD1). Also called: Polycystic Kidney, Autosomal Dominant; POLYCYSTIC KIDNEY DISEASE, ADULT, TYPE I; Polycystic Kidney Disease 1, Autosomal Dominant; Polycystic kidney disease 1; Polycystic kidney disease 1, severe; POLYCYSTIC KIDNEY DISEASE 1 WITH OR WITHOUT POLYCYSTIC LIVER DISEASE. Identifiers: MedGen C3149841, MONDO:0008263, OMIM 173900.

Submission:

Juno Genomics, Hangzhou Juno Genomics, Inc
Classification: Uncertain significance for Polycystic kidney disease, adult type. Review status: criteria provided, single submitter. Criteria: ACMG Guidelines, 2015. Collection method: clinical testing. Allele origin: germline. Affected: yes.
Comment: Absent from controls (or at extremely low frequency if recessive) in Genome Aggregation Database.;Protein length changes due to in-frame deletions/insertions in a non-repeat region or stop-loss variants.;Patient's phenotype or family history is highly specific for a disease with a single genetic etiology.

NM_001009944.3(PKD1):c.7322_7324dup (p.Gly2441_Glu2442insGly)

Gene: PKD1 (polycystin 1, transient receptor potential channel interacting; minus strand). Cytogenetic location: 16p13.3.
Variant type: Duplication.
Coding change: c.7322_7324dup on transcript NM_001009944.3 (MANE Select); coding-DNA positions 7322 to 7324, 3 bases duplicated (GCG; older notation c.7322_7324dupGCG).
Protein change: p.Gly2441_Glu2442insGly.
Molecular consequence: inframe insertion.
Genome position (GRCh38, 1-based): chr16:2,106,563-2,106,565, CGC duplicated on the plus strand (GCG on the coding strand, the reverse complement: PKD1 is on the minus strand); duplicating any 3 consecutive bases within chr16:2,106,563-2,106,567 gives the same sequence; the c. name uses the placement nearest the transcript's 3' end. VCF-style (leftmost placement, unchanged base first): chr16-2106562-T-TCGC. GRCh37 (hg19) VCF-style: chr16-2156563-T-TCGC.
Other names: c.7322_7324dup, p.Gly2441_Glu2442insGly (NM_000296.4).
Identifiers: ClinVar variation 5018883 (VCV005018883.1).
Genomic context (GRCh38, chr16:2,106,562, plus strand): 5'-GAGGCGCAGCCCTCCTCCTCGCCAGAGCGGCCCAGCACCGTGAGCGTGAAGGTGTATCCC[T>TCGC]CGCCGTCCCGCAGCACGCCCCGCCGCAGCACCAGTCGCATGCCTGCACTGCCCGTGGATG-3'